The following is an entry in ClinVar:

ClinVar aggregate classification (germline): Likely benign (1 of 4 stars; one submission).

Submission:

CeGaT Center for Human Genetics Tuebingen
Classification: Likely benign. Last evaluated: 2026-09-01. Review status: criteria provided, single submitter. Criteria: CeGaT Center For Human Genetics Tuebingen Variant Classification Criteria Version 2. Collection method: clinical testing. Allele origin: germline. Affected: yes. Observed: 1 variant allele.
Comment: TFAP2A: BP4, BP7

NM_001372066.1(TFAP2A):c.186A>C (p.Pro62=)

Gene: TFAP2A (transcription factor AP-2 alpha; minus strand). Cytogenetic location: 6p24.3.
Variant type: single nucleotide variant.
Coding change: c.186A>C on transcript NM_001372066.1 (MANE Select); coding-DNA position 186, A replaced by C.
Protein change: p.Pro62=; no amino-acid change (proline 62 retained).
Molecular consequence: synonymous variant.
Genome position (GRCh38, 1-based): chr6:10,410,201, T>G on the plus strand (A>C on the coding strand, the complement: TFAP2A is on the minus strand). VCF-style: chr6-10410201-T-G. GRCh37 (hg19) VCF-style: chr6-10410434-T-G.
Other names: c.162A>C, p.Pro54= (NM_001032280.3); c.168A>C, p.Pro56= (NM_001042425.3).
Identifiers: ClinVar variation 5040846 (VCV005040846.1).
Genomic context (GRCh38, chr6:10,410,201, plus strand): 5'-GTAGGGGTCGTTGACGTGGGAGTAAGGATCTTGCGACTGGGGGTAGATAGGCTGGTAGGG[T>G]GGGGGGAAGTATGGGGGCTGGAAGTCGGCATTGGGGGTGTGGGACAGCGGCGGGGCGCTC-3'
Protein context (NP_001358995.1, residues 52-72): NADFQPPYFP[Pro62=]PYQPIYPQSQ